The following is an entry in ClinVar:

NM_139319.3(SLC17A8):c.183C>G (p.Ser61Arg)

Gene: SLC17A8 (solute carrier family 17 member 8; plus strand). Cytogenetic location: 12q23.1.
Variant type: single nucleotide variant.
Coding change: c.183C>G on transcript NM_139319.3 (MANE Select); coding-DNA position 183, C replaced by G.
Protein change: p.Ser61Arg; replaces serine 61 with arginine.
Molecular consequence: missense variant.
Genome position (GRCh38, 1-based): chr12:100,380,782, C>G. VCF-style: chr12-100380782-C-G. GRCh37 (hg19) VCF-style: chr12-100774560-C-G.
Other names: c.183C>G, p.Ser61Arg (NM_001145288.2); c.183C>G (NM_139319.2); short protein forms S61R.
Identifiers: ClinVar variation 2188154 (VCV002188154.5), dbSNP rs754037952, ClinGen allele CA6738688.

ClinVar aggregate classification (germline): Uncertain significance. Review status: criteria provided, multiple submitters, no conflicts (2 of 4 stars). 2 submissions from 2 submitters: Uncertain significance (2). Last evaluated 2024-05-06.

gnomAD v4.1: 2 of 1,614,080 alleles (0.00012%); highest among the groups gnomAD compares: Admixed American, 0.0033%; no homozygotes.

Submissions (2):

Labcorp Genetics (formerly Invitae), Labcorp
Classification: Uncertain significance. Last evaluated: 2024-05-06. Review status: criteria provided, single submitter. Criteria: Invitae Variant Classification Sherloc (09022015). Collection method: clinical testing. Allele origin: germline.
Comment: This sequence change replaces serine, which is neutral and polar, with arginine, which is basic and polar, at codon 61 of the SLC17A8 protein (p.Ser61Arg). This variant is present in population databases (rs754037952, gnomAD 0.006%). This variant has not been reported in the literature in individuals affected with SLC17A8-related conditions. ClinVar contains an entry for this variant (Variation ID: 2188154). Algorithms developed to predict the effect of missense changes on protein structure and function output the following: SIFT: "Not Available"; PolyPhen-2: "Benign"; Align-GVGD: "Not Available". The arginine amino acid residue is found in multiple mammalian species, which suggests that this missense change does not adversely affect protein function. In summary, the available evidence is currently insufficient to determine the role of this variant in disease. Therefore, it has been classified as a Variant of Uncertain Significance.

Women's Health and Genetics/Laboratory Corporation of America, LabCorp
Classification: Uncertain significance. Last evaluated: 2023-08-08. Review status: criteria provided, single submitter. Criteria: LabCorp Variant Classification Summary - May 2015. Collection method: clinical testing. Allele origin: germline.
Comment: Variant summary: SLC17A8 c.183C>G (p.Ser61Arg) results in a non-conservative amino acid change in the encoded protein sequence. Four of five in-silico tools predict a benign effect of the variant on protein function. The variant allele was found at a frequency of 8e-06 in 251438 control chromosomes (gnomAD). The available data on variant occurrences in the general population are insufficient to allow any conclusion about variant significance. To our knowledge, no occurrence of c.183C>G in individuals affected with Autosomal Dominant Nonsyndromic Hearing Loss 25 and no experimental evidence demonstrating its impact on protein function have been reported. One submitter has cited clinical-significance assessments for this variant to ClinVar after 2014 and has classified the variant as uncertain significance. Based on the evidence outlined above, the variant was classified as uncertain significance.